The following is an entry in ClinVar:

NM_001148.6(ANK2):c.6896A>T (p.Asp2299Val)

Genes: ANK2 (ankyrin 2; plus strand), LOC126807137 (CDK7 strongly-dependent group 2 enhancer GRCh37_chr4:114276560-114277759; plus strand). Cytogenetic location: 4q26.
Variant type: single nucleotide variant.
Coding change: c.6896A>T on transcript NM_001148.6 (MANE Select); coding-DNA position 6896, A replaced by T.
Protein change: p.Asp2299Val; replaces aspartic acid 2299 with valine.
Molecular consequence: missense variant. On other transcripts: intron variant (68).
Genome position (GRCh38, 1-based): chr4:113,355,514, A>T. VCF-style: chr4-113355514-A-T. GRCh37 (hg19) VCF-style: chr4-114276670-A-T.
Other names: c.6662A>T, p.Asp2221Val (NM_001386142.1); c.3296A>T, p.Asp1099Val (NM_001386166.1); c.7037A>T, p.Asp2346Val (NM_001386174.1); c.7013A>T, p.Asp2338Val (NM_001386175.1); c.4411+5265A>T (NM_001386186.2, NM_001386148.2); c.4213+5265A>T (NM_001354269.3); c.4291+5265A>T (NM_001386187.2); c.4252+5265A>T (NM_001386147.1); and 36 more; short protein forms D1099V, D2221V, D2299V, D2338V, D2346V.
Identifiers: ClinVar variation 1014874 (VCV001014874.6), dbSNP rs769627306, ClinGen allele CA3051488.

ClinVar aggregate classification (germline): Conflicting classifications of pathogenicity. Review status: criteria provided, conflicting classifications (1 of 4 stars). 2 submissions from 2 submitters: Uncertain significance (1); Likely benign (1). Last evaluated 2025-06-18.

Conditions:
Cardiovascular phenotype. Identifiers: MedGen CN230736.
Long QT syndrome (LQTS). Identifiers: MedGen C0023976, MeSH D008133, MONDO:0002442. Disease mechanism: loss of function. Inheritance: Various modes of inheritance.

Allele frequency attached by ClinVar (database versions not stated): gnomAD exomes 0.00001 and 0.00002; ExAC 0.00003.
gnomAD v4.1: 5 of 1,613,970 alleles (0.00031%); highest among the groups gnomAD compares: Non-Finnish European, 0.00034%; no homozygotes.

Submissions (2):

Ambry Genetics
Classification: Likely benign for Cardiovascular phenotype. Last evaluated: 2025-06-18. Review status: criteria provided, single submitter. Criteria: Ambry Variant Classification Scheme 2023. Collection method: clinical testing. Allele origin: germline.

Labcorp Genetics (formerly Invitae), Labcorp
Classification: Uncertain significance for Long QT syndrome. Last evaluated: 2020-09-24. Review status: criteria provided, single submitter. Criteria: Invitae Variant Classification Sherloc (09022015). Collection method: clinical testing. Allele origin: germline.
Comment: In summary, the available evidence is currently insufficient to determine the role of this variant in disease. Therefore, it has been classified as a Variant of Uncertain Significance. Algorithms developed to predict the effect of missense changes on protein structure and function (SIFT, PolyPhen-2, Align-GVGD) all suggest that this variant is likely to be tolerated, but these predictions have not been confirmed by published functional studies and their clinical significance is uncertain. This variant has not been reported in the literature in individuals with ANK2-related conditions. This variant is present in population databases (rs769627306, ExAC 0.005%). This sequence change replaces aspartic acid with valine at codon 2299 of the ANK2 protein (p.Asp2299Val). The aspartic acid residue is weakly conserved and there is a large physicochemical difference between aspartic acid and valine.